The following is an entry in ClinVar:

ClinVar aggregate classification (germline): Uncertain significance. Review status: criteria provided, multiple submitters, no conflicts (2 of 4 stars). 9 submissions from 9 submitters: Uncertain significance (9). Last evaluated 2026-02-13.

Conditions:
TNFRSF13B-related disorder. Also called: TNFRSF13B-related condition.
Immunodeficiency, common variable, 2 (CVID2). Also called: ANTIBODY DEFICIENCY DUE TO TACI DEFECT; HYPOGAMMAGLOBULINEMIA DUE TO TACI DEFICIENCY. Identifiers: Orphanet 1572, MedGen C3150354, MONDO:0009413, OMIM 240500.
Immunoglobulin A deficiency 2 (IGAD2). Identifiers: MedGen C1836032, MONDO:0012291, OMIM 609529.

Allele frequency attached by ClinVar (database versions not stated): gnomAD 0.00004 and 0.00005; gnomAD exomes 0.00006; TOPMed 0.00006; ExAC 0.00008; ESP Exome Variant Server 0.00008.
gnomAD v4.1: 94 of 1,613,966 alleles (0.0058%); highest among the groups gnomAD compares: Middle Eastern, 0.049%; no homozygotes.

Submissions (9):

PreventionGenetics, part of Exact Sciences
Classification: Uncertain significance for TNFRSF13B-related condition. Last evaluated: 2026-02-13. Review status: criteria provided, single submitter. Criteria: ACMG Guidelines, 2015. Collection method: clinical testing. Allele origin: germline.
Comment: The TNFRSF13B c.214C>T variant is predicted to result in the amino acid substitution p.Arg72Cys. This variant has been reported in an individual with a presumptive diagnosis of ataxia-telangiectasia (A-T) (Kashimada et al. 2019. PubMed ID: 30301590). This variant is reported in 0.013% of alleles in individuals of South Asian descent in gnomAD. At this time, the clinical significance of this variant is uncertain due to the absence of conclusive functional and genetic evidence.

Labcorp Genetics (formerly Invitae), Labcorp
Classification: Uncertain significance for Immunodeficiency, common variable, 2. Last evaluated: 2025-12-24. Review status: criteria provided, single submitter. Criteria: Invitae Variant Classification Sherloc (09022015). Collection method: clinical testing. Allele origin: germline.
Comment: This sequence change replaces arginine, which is basic and polar, with cysteine, which is neutral and slightly polar, at codon 72 of the TNFRSF13B protein (p.Arg72Cys). This variant is present in population databases (rs375514495, gnomAD 0.02%). This missense change has been observed in individual(s) with TNFRSF13B-related conditions (PMID: 30301590). ClinVar contains an entry for this variant (Variation ID: 840913). Invitae Evidence Modeling of protein sequence and biophysical properties (such as structural, functional, and spatial information, amino acid conservation, physicochemical variation, residue mobility, and thermodynamic stability) has been performed for this missense variant. However, the output from this modeling did not meet the statistical confidence thresholds required to predict the impact of this variant on TNFRSF13B protein function. In summary, the available evidence is currently insufficient to determine the role of this variant in disease. Therefore, it has been classified as a Variant of Uncertain Significance.

Blueprint Genetics
Classification: Uncertain significance. Last evaluated: 2024-04-15. Review status: criteria provided, single submitter. Criteria: ACMG Guidelines, 2015. Collection method: clinical testing. Allele origin: germline.

Genomic Medicine Center of Excellence, King Faisal Specialist Hospital and Research Centre
Classification: Uncertain significance for Immunodeficiency, common variable, 2. Last evaluated: 2024-03-26. Review status: criteria provided, single submitter. Criteria: ACMG Guidelines, 2015. Collection method: clinical testing. Allele origin: germline.

Revvity Omics, Revvity
Classification: Uncertain significance. Last evaluated: 2023-08-31. Review status: criteria provided, single submitter. Criteria: ACMG Guidelines, 2015. Collection method: clinical testing. Allele origin: germline.

CeGaT Center for Human Genetics Tuebingen
Classification: Uncertain significance. Last evaluated: 2023-07-01. Review status: criteria provided, single submitter. Criteria: CeGaT Center For Human Genetics Tuebingen Variant Classification Criteria Version 2. Collection method: clinical testing. Allele origin: germline. Affected: yes. Observed: 1 variant allele.

Laboratorio de Genetica e Diagnostico Molecular, Hospital Israelita Albert Einstein
Classification: Uncertain significance for Immunoglobulin A deficiency 2. Last evaluated: 2022-12-16. Review status: criteria provided, single submitter. Criteria: ACMG Guidelines, 2015. Collection method: clinical testing. Allele origin: germline. Affected: yes. Observed: 1 variant allele.
Comment: ACMG classification criteria: PS4 supporting, PM2 supporting

Fulgent Genetics
Classification: Uncertain significance for Immunodeficiency, common variable, 2; Immunoglobulin A deficiency 2. Last evaluated: 2022-04-11. Review status: criteria provided, single submitter. Criteria: ACMG Guidelines, 2015. Collection method: clinical testing. Allele origin: unknown.

Breakthrough Genomics
Classification: Uncertain significance. Review status: criteria provided, single submitter. Criteria: ACMG Guidelines, 2015. Collection method: not provided. Allele origin: germline. Inheritance: Autosomal recessive inheritance. Affected: yes.

Literature cited by the submitters: PubMed 30301590 (cited by Labcorp Genetics (formerly Invitae), Labcorp).

NM_012452.3(TNFRSF13B):c.214C>T (p.Arg72Cys)

Gene: TNFRSF13B (TNF receptor superfamily member 13B; minus strand). Cytogenetic location: 17p11.2.
Variant type: single nucleotide variant.
Coding change: c.214C>T on transcript NM_012452.3 (MANE Select); coding-DNA position 214, C replaced by T.
Protein change: p.Arg72Cys; replaces arginine 72 with cysteine.
Molecular consequence: missense variant.
Genome position (GRCh38, 1-based): chr17:16,948,969, G>A on the plus strand (C>T on the coding strand, the complement: TNFRSF13B is on the minus strand). VCF-style: chr17-16948969-G-A. GRCh37 (hg19) VCF-style: chr17-16852283-G-A.
Other names: short protein forms R72C.
Identifiers: ClinVar variation 840913 (VCV000840913.35), dbSNP rs375514495, ClinGen allele CA8414068.